The following is an entry in ClinVar:

NM_080473.5(GATA5):c.1159C>T (p.Arg387Cys)

Gene: GATA5 (GATA binding protein 5; minus strand). Cytogenetic location: 20q13.33.
Variant type: single nucleotide variant.
Coding change: c.1159C>T on transcript NM_080473.5 (MANE Select); coding-DNA position 1159, C replaced by T.
Protein change: p.Arg387Cys; replaces arginine 387 with cysteine.
Molecular consequence: missense variant.
Genome position (GRCh38, 1-based): chr20:62,464,871, G>A on the plus strand (C>T on the coding strand, the complement: GATA5 is on the minus strand). VCF-style: chr20-62464871-G-A. GRCh37 (hg19) VCF-style: chr20-61039927-G-A.
Other names: p.Arg387Cys; short protein forms R387C.
Identifiers: ClinVar variation 180368 (VCV000180368.12), dbSNP rs145205240, ClinGen allele CA346359.
Genomic context (GRCh38, chr20:62,464,871, plus strand): 5'-CCCTGACATGGGCTGGCCTGGGGACCTAGGCCAAGGCCAGCGCACACCAGGCCTCTTGGC[G>A]CAGAGCCCCCCTGAGGCCAGCCTGGGGGCTTGGGGCCGTGGAGGGGAAGGCAAAGTCCTC-3'
Protein context (NP_536721.1, residues 377-397): SPQAGLRGAL[Arg387Cys]QEAWCALALA

ClinVar aggregate classification (germline): Conflicting classifications of pathogenicity. Review status: criteria provided, conflicting classifications (1 of 4 stars). 4 submissions from 4 submitters: Uncertain significance (3); Likely benign (1). Last evaluated 2025-12-23.

Allele frequency attached by ClinVar (database versions not stated): gnomAD exomes 0.00013; ExAC 0.00014; ESP Exome Variant Server 0.00015; TOPMed 0.00016; gnomAD 0.00021.
gnomAD v4.1: 471 of 1,608,980 alleles (0.029%); highest among the groups gnomAD compares: Non-Finnish European, 0.037%; no homozygotes.

Submissions (4):

Labcorp Genetics (formerly Invitae), Labcorp
Classification: Uncertain significance. Last evaluated: 2025-12-23. Review status: criteria provided, single submitter. Criteria: Invitae Variant Classification Sherloc (09022015). Collection method: clinical testing. Allele origin: germline.
Comment: This sequence change replaces arginine, which is basic and polar, with cysteine, which is neutral and slightly polar, at codon 387 of the GATA5 protein (p.Arg387Cys). This variant is present in population databases (rs145205240, gnomAD 0.02%). This missense change has been observed in individual(s) with bicuspid aortic valve and in individual(s) with thoracic aortic aneurysm/dissection (PMID: 28387797, 30675029). ClinVar contains an entry for this variant (Variation ID: 180368). An algorithm developed to predict the effect of missense changes on protein structure and function (PolyPhen-2) suggests that this variant is likely to be tolerated. In summary, the available evidence is currently insufficient to determine the role of this variant in disease. Therefore, it has been classified as a Variant of Uncertain Significance.

Blueprint Genetics
Classification: Likely benign. Last evaluated: 2024-05-03. Review status: criteria provided, single submitter. Criteria: ACMG Guidelines, 2015. Collection method: clinical testing. Allele origin: germline.

Mayo Clinic Laboratories, Mayo Clinic
Classification: Uncertain significance. Last evaluated: 2024-04-17. Review status: criteria provided, single submitter. Criteria: ACMG Guidelines, 2015. Collection method: clinical testing. Allele origin: germline. Observed: 1 variant allele.

GeneDx
Classification: Uncertain significance. Last evaluated: 2021-05-17. Review status: criteria provided, single submitter. Criteria: GeneDx Variant Classification Process June 2021. Collection method: clinical testing. Allele origin: germline. Affected: yes.
Comment: Reported in a patient with bicuspid aortic valve with aortic root dilatation (Gidauskas et al., 2017) and in a patient with thoracic aortic aneurysm/dissection (TAAD) (Renner et al., 2019); Reported in ClinVar as a variant of uncertain significance (ClinVar Variant ID# 180368; Landrum et al., 2016); In silico analysis, which includes protein predictors and evolutionary conservation, supports a deleterious effect; This variant is associated with the following publications: (PMID: 30675029, 28387797)

Literature cited by the submitters: PubMed 28387797 (cited by Labcorp Genetics (formerly Invitae), Labcorp and Mayo Clinic Laboratories, Mayo Clinic); PubMed 30675029 (cited by Labcorp Genetics (formerly Invitae), Labcorp and Mayo Clinic Laboratories, Mayo Clinic).